The following is an entry in ClinVar:

NM_004273.5(CHST3):c.398G>A (p.Arg133His)

Gene: CHST3 (carbohydrate sulfotransferase 3; plus strand). Cytogenetic location: 10q22.1.
Variant type: single nucleotide variant.
Coding change: c.398G>A on transcript NM_004273.5 (MANE Select); coding-DNA position 398, G replaced by A.
Protein change: p.Arg133His; replaces arginine 133 with histidine.
Molecular consequence: missense variant.
Genome position (GRCh38, 1-based): chr10:72,007,429, G>A. VCF-style: chr10-72007429-G-A. GRCh37 (hg19) VCF-style: chr10-73767187-G-A.
Other names: short protein forms R133H.
Identifiers: ClinVar variation 1393967 (VCV001393967.6), dbSNP rs767508669, ClinGen allele CA5548088.
Genomic context (GRCh38, chr10:72,007,429, plus strand): 5'-AAGAGGAAGAGCAGAGAAAGGAGGAGGAGCCGCCCAGACCGGCCGTGGCGGGGCCCCGGC[G>A]CCACGTGCTGCTCATGGCCACCACGCGCACCGGCTCCTCGTTCGTGGGCGAGTTCTTCAA-3'
Protein context (NP_004264.2, residues 123-143): PPRPAVAGPR[Arg133His]HVLLMATTRT

ClinVar aggregate classification (germline): Uncertain significance (1 of 4 stars; one submission).

Conditions:
Spondyloepiphyseal dysplasia with congenital joint dislocations (SEDCJD). Also called: Chondrodysplasia with Congenital Joint Dislocations, CHST3-Related. Identifiers: Orphanet 263463, MedGen C1837657, MONDO:0007738, OMIM 143095.

Allele frequency attached by ClinVar (database versions not stated): TOPMed below 0.00001; gnomAD 0.00001; gnomAD exomes 0.00001; ExAC 0.00002.
gnomAD v4.1: 6 of 1,602,286 alleles (0.00037%); highest among the groups gnomAD compares: Non-Finnish European, 0.00034%; no homozygotes.

Submission:

Labcorp Genetics (formerly Invitae), Labcorp
Classification: Uncertain significance for Spondyloepiphyseal dysplasia with congenital joint dislocations. Last evaluated: 2022-09-01. Review status: criteria provided, single submitter. Criteria: Invitae Variant Classification Sherloc (09022015). Collection method: clinical testing. Allele origin: germline.
Comment: In summary, the available evidence is currently insufficient to determine the role of this variant in disease. Therefore, it has been classified as a Variant of Uncertain Significance. Algorithms developed to predict the effect of missense changes on protein structure and function are either unavailable or do not agree on the potential impact of this missense change (SIFT: "Tolerated"; PolyPhen-2: "Possibly Damaging"; Align-GVGD: "Class C0"). ClinVar contains an entry for this variant (Variation ID: 1393967). This variant has not been reported in the literature in individuals affected with CHST3-related conditions. The frequency data for this variant in the population databases is considered unreliable, as metrics indicate poor data quality at this position in the gnomAD database. This sequence change replaces arginine, which is basic and polar, with histidine, which is basic and polar, at codon 133 of the CHST3 protein (p.Arg133His).